The following is an entry in ClinVar:

NM_001042492.3(NF1):c.4478_4485del (p.Asn1493fs)

Gene: NF1 (neurofibromin 1; plus strand). Cytogenetic location: 17q11.2.
Variant type: Deletion.
Coding change: c.4478_4485del on transcript NM_001042492.3 (MANE Select); coding-DNA positions 4478 to 4485, 8 bases deleted (ATCATAGT; older notation c.4478_4485delATCATAGT).
Protein change: p.Asn1493fs; shifts the reading frame from asparagine 1493.
Molecular consequence: frameshift variant.
Genome position (GRCh38, 1-based): chr17:31,260,416-31,260,423, ATCATAGT deleted. VCF-style (leftmost placement, unchanged base first): chr17-31260415-AATCATAGT-A. GRCh37 (hg19) VCF-style: chr17-29587433-AATCATAGT-A.
Other names: c.4415_4422delATCATAGT, p.Asn1472Thrfs (NM_000267.4); short protein forms N1472fs, N1493fs.
Identifiers: ClinVar variation 1070798 (VCV001070798.5), dbSNP rs2151464627, ClinGen allele CA2499224140.

ClinVar aggregate classification (germline): Pathogenic (1 of 4 stars; one submission).

Conditions:
Neurofibromatosis, type 1 (NF1). Also called: VON RECKLINGHAUSEN DISEASE; Peripheral type neurofibromatosis; NEUROFIBROMATOSIS, TYPE I, SOMATIC; Neurofibromatosis, type I. Identifiers: Orphanet 636, MedGen C0027831, MONDO:0018975, OMIM 162200. Disease mechanism: loss of function.

Submission:

Labcorp Genetics (formerly Invitae), Labcorp
Classification: Pathogenic for Neurofibromatosis, type 1. Last evaluated: 2020-01-27. Review status: criteria provided, single submitter. Criteria: Invitae Variant Classification Sherloc (09022015). Collection method: clinical testing. Allele origin: germline.
Comment: This variant has not been reported in the literature in individuals with NF1-related conditions. For these reasons, this variant has been classified as Pathogenic. Loss-of-function variants in NF1 are known to be pathogenic (PMID: 10712197, 23913538). This variant is not present in population databases (ExAC no frequency). This sequence change creates a premature translational stop signal (p.Asn1472Thrfs*6) in the NF1 gene. It is expected to result in an absent or disrupted protein product.

Literature cited by the submitters: PubMed 10712197; PubMed 23913538.